The following is an entry in ClinVar:

NM_024665.7(TBL1XR1):c.497G>T (p.Arg166Leu)

Gene: TBL1XR1 (TBL1X/Y related 1; minus strand). Cytogenetic location: 3q26.32.
Variant type: single nucleotide variant.
Coding change: c.497G>T on transcript NM_024665.7 (MANE Select); coding-DNA position 497, G replaced by T.
Protein change: p.Arg166Leu; replaces arginine 166 with leucine.
Molecular consequence: missense variant.
Genome position (GRCh38, 1-based): chr3:177,050,541, C>A on the plus strand (G>T on the coding strand, the complement: TBL1XR1 is on the minus strand). VCF-style: chr3-177050541-C-A. GRCh37 (hg19) VCF-style: chr3-176768329-C-A.
Other names: c.497G>T, p.Arg166Leu (NM_001321193.3, NM_001321194.3, NM_001374327.1 and 2 more transcripts); c.236G>T, p.Arg79Leu (NM_001321195.3, NM_001374330.1); short protein forms R166L, R79L.
Identifiers: ClinVar variation 450269 (VCV000450269.2), dbSNP rs1332539430, ClinGen allele CA355552855.

ClinVar aggregate classification (germline): Likely pathogenic (1 of 4 stars; one submission).

Submission:

GeneDx
Classification: Likely pathogenic. Last evaluated: 2017-07-13. Review status: criteria provided, single submitter. Criteria: GeneDx Variant Classification (06012015). Collection method: clinical testing. Allele origin: germline. Affected: yes.
Comment: The R166L variant in the TBL1XR1 gene has not been reported previously as a pathogenic variant, nor as a benign variant, to our knowledge. The R166L variant is not observed in large population cohorts (Lek et al., 2016; 1000 Genomes Consortium et al., 2015; Exome Variant Server). The R166L variant is a non-conservative amino acid substitution, which is likely to impact secondary protein structure as these residues differ in polarity, charge, size and/or other properties. This substitution occurs at a position that is conserved across species, and in silico analysis predicts this variant is probably damaging to the protein structure/function. We interpret R166L as a likely pathogenic variant.